The following is an entry in ClinVar:

NM_152703.5(SAMD9L):c.3612T>A (p.Gly1204=)

Gene: SAMD9L (sterile alpha motif domain containing 9 like; minus strand). Cytogenetic location: 7q21.2.
Variant type: single nucleotide variant.
Coding change: c.3612T>A on transcript NM_152703.5 (MANE Select); coding-DNA position 3612, T replaced by A.
Protein change: p.Gly1204=; no amino-acid change (glycine 1204 retained).
Molecular consequence: synonymous variant.
Genome position (GRCh38, 1-based): chr7:93,132,360, A>T on the plus strand (T>A on the coding strand, the complement: SAMD9L is on the minus strand). VCF-style: chr7-93132360-A-T. GRCh37 (hg19) VCF-style: chr7-92761673-A-T.
Other names: c.3612T>A, p.Gly1204= (NM_001303496.3, NM_001303497.3, NM_001303498.3 and 5 more transcripts).
Identifiers: ClinVar variation 3573857 (VCV003573857.1).

ClinVar aggregate classification (germline): Uncertain significance (1 of 4 stars; one submission).

Submission:

GeneDx
Classification: Uncertain significance. Last evaluated: 2024-07-17. Review status: criteria provided, single submitter. Criteria: GeneDx Variant Classification Process June 2021. Collection method: clinical testing. Allele origin: germline. Affected: yes.
Comment: Not observed at significant frequency in large population cohorts (gnomAD); In silico analysis indicates that this variant does not alter splicing; Has not been previously published as pathogenic or benign to our knowledge